The following is an entry in ClinVar:

ClinVar aggregate classification (germline): Pathogenic (0 of 4 stars; one submission).

Conditions:
Spondyloepiphyseal dysplasia congenita (SEDC). Also called: SED CONGENITA; SPONDYLOEPIPHYSEAL DYSPLASIA, CONGENITAL TYPE. Identifiers: Orphanet 94068, MedGen C2745959, MONDO:0008471, OMIM 183900.

Submission:

MVZ Praenatalmedizin und Genetik Nuernberg
Classification: Pathogenic for Spondyloepiphyseal dysplasia congenita. Last evaluated: 2020-02-01. Review status: no assertion criteria provided. Collection method: clinical testing. Allele origin: de novo. Inheritance: Autosomal dominant inheritance. Affected: yes. Observed: 1 heterozygote.
Comment: This variant was not listed in the databases (ClinVar, LOVD). GnomAD shows no entry (very rare or private variant). Mulitple in silico analyses predict a pathogenic effect. Therefore this variant was rated pathogenic.

NM_001844.5(COL2A1):c.3553G>C (p.Gly1185Arg)

Gene: COL2A1 (collagen type II alpha 1 chain; minus strand). Cytogenetic location: 12q13.11.
Variant type: single nucleotide variant.
Coding change: c.3553G>C on transcript NM_001844.5 (MANE Select); coding-DNA position 3553, G replaced by C.
Protein change: p.Gly1185Arg; replaces glycine 1185 with arginine.
Molecular consequence: missense variant.
Genome position (GRCh38, 1-based): chr12:47,976,007, C>G on the plus strand (G>C on the coding strand, the complement: COL2A1 is on the minus strand). VCF-style: chr12-47976007-C-G. GRCh37 (hg19) VCF-style: chr12-48369790-C-G.
Other names: c.3346G>C, p.Gly1116Arg (NM_033150.3); short protein forms G1116R, G1185R.
Identifiers: ClinVar variation 978480 (VCV000978480.2), dbSNP rs1938688718, ClinGen allele CA384537332.
Genomic context (GRCh38, chr12:47,976,007, plus strand): 5'-GAGTCAGGACACTTACAGCAGGGCCGGTTTCGCCTGATCGTCCACGGGGACCAGGAGGCC[C>G]AATGGGGCCAGGGATTCCATTAGCACCATCTTTGCCAGAGGGACCGACGGGGCCAGGAGG-3'
Protein context (NP_001835.3, residues 1175-1195): DGANGIPGPI[Gly1185Arg]PPGPRGRSGE